The following is an entry in ClinVar:

NM_001077365.2(POMT1):c.1196del (p.Leu399fs)

Gene: POMT1 (protein O-mannosyltransferase 1; plus strand). Cytogenetic location: 9q34.13.
Variant type: Deletion.
Coding change: c.1196del on transcript NM_001077365.2 (MANE Select); coding-DNA position 1196, one base deleted (T; older notation c.1196delT).
Protein change: p.Leu399fs; shifts the reading frame from leucine 399.
Molecular consequence: frameshift variant. On other transcripts: non-coding transcript variant (10).
Genome position (GRCh38, 1-based): chr9:131,515,446, T deleted. VCF-style (leftmost placement, unchanged base first): chr9-131515445-CT-C. GRCh37 (hg19) VCF-style: chr9-134390832-CT-C.
Other names: c.1034del, p.Leu345fs (NM_001077366.2, NM_001353194.2); c.1196del, p.Leu399fs (NM_001136113.2, NM_001374690.1); c.845del, p.Leu282fs (NM_001136114.2, NM_001353195.2, NM_001374691.1 and 2 more transcripts); c.1262del, p.Leu421fs (NM_001353193.2, NM_007171.4); c.1106del, p.Leu369fs (NM_001353196.2); c.1100del, p.Leu367fs (NM_001353197.2, NM_001353198.2); c.911del, p.Leu304fs (NM_001353199.2); c.740del, p.Leu247fs (NM_001353200.2); and 3 more; short protein forms L304fs, L367fs, L399fs, L421fs, L269fs, L282fs, L247fs, L345fs.
Identifiers: ClinVar variation 872615 (VCV000872615.47), dbSNP rs768144522, ClinGen allele CA5293582.
Genomic context (GRCh38, chr9:131,515,445, plus strand): 5'-AGTTCAAGGAATTTTCTGAAATCTCGGTCTTGGTTTTCCAGGCATGATGTTGCAGCCCCC[CT>C]GAGCCCCCATTCACAGGAGGTCTCCTGCTACATTGACTATAACATCTCCATGCCCGCCCA-3'

ClinVar aggregate classification (germline): Pathogenic/Likely pathogenic. Review status: criteria provided, multiple submitters, no conflicts (2 of 4 stars). 4 submissions from 4 submitters: Pathogenic (3); Likely pathogenic (1). Last evaluated 2024-03-26.

Conditions:
Inborn genetic diseases. Identifiers: MedGen C0950123, MeSH D030342.
Muscular dystrophy-dystroglycanopathy (congenital with brain and eye anomalies), type A1 (MDDGA1). Also called: WALKER-WARBURG SYNDROME OR MUSCLE-EYE-BRAIN DISEASE, POMT1-RELATED; Hydrocephalus, agyria and retinal dysplasia; Hard +/- E syndrome; Warburg syndrome; Chemke syndrome; Pagon syndrome. Identifiers: Orphanet 588, Orphanet 899, MedGen C4284790, MONDO:0009364, OMIM 236670.
Walker-Warburg congenital muscular dystrophy. Also called: Muscular dystrophy-dystroglycanopathy, type A; Walker-Warburg syndrome. Identifiers: Orphanet 899, MedGen C0265221, MONDO:0000171.
Autosomal recessive limb-girdle muscular dystrophy type 2K. Also called: MUSCULAR DYSTROPHY-DYSTROGLYCANOPATHY (LIMB-GIRDLE), TYPE C, 1; MUSCULAR DYSTROPHY, LIMB-GIRDLE, TYPE 2K. Identifiers: Orphanet 86812, MedGen C1836373, MONDO:0012248, OMIM 609308.
Muscular dystrophy-dystroglycanopathy (congenital with impaired intellectual development), type B, 1. Also called: MUSCULAR DYSTROPHY, CONGENITAL, POMT1-RELATED; Muscular dystrophy-dystroglycanopathy (congenital with intellectual disability), type B1. Identifiers: MedGen C5436962, MONDO:0013159, OMIM 613155.

Allele frequency attached by ClinVar (database versions not stated): gnomAD exomes 0.00001 and 0.00002; gnomAD 0.00001; ExAC 0.00001.

Submissions (4):

Baylor Genetics
Classification: Likely pathogenic for Muscular dystrophy-dystroglycanopathy (congenital with brain and eye anomalies), type A1. Last evaluated: 2024-03-26. Review status: criteria provided, single submitter. Criteria: ACMG Guidelines, 2015. Collection method: clinical testing. Allele origin: unknown.

Labcorp Genetics (formerly Invitae), Labcorp
Classification: Pathogenic for Muscular dystrophy-dystroglycanopathy (congenital with impaired intellectual development), type B, 1; Walker-Warburg congenital muscular dystrophy; Autosomal recessive limb-girdle muscular dystrophy type 2K. Last evaluated: 2023-10-24. Review status: criteria provided, single submitter. Criteria: Invitae Variant Classification Sherloc (09022015). Collection method: clinical testing. Allele origin: germline.
Comment: This sequence change creates a premature translational stop signal (p.Leu421Argfs*29) in the POMT1 gene. It is expected to result in an absent or disrupted protein product. Loss-of-function variants in POMT1 are known to be pathogenic (PMID: 12369018, 15637732, 16575835). This variant is present in population databases (rs768144522, gnomAD 0.02%). This variant has not been reported in the literature in individuals affected with POMT1-related conditions. ClinVar contains an entry for this variant (Variation ID: 872615). For these reasons, this variant has been classified as Pathogenic.

Ambry Genetics
Classification: Pathogenic for Inborn genetic diseases. Last evaluated: 2021-04-29. Review status: criteria provided, single submitter. Criteria: Ambry Variant Classification Scheme 2023. Collection method: clinical testing. Allele origin: germline.
Comment: The c.1262delT (p.L421Rfs*29) alteration, located in exon 13 (coding exon 12) of the POMT1 gene, consists of a deletion of one nucleotide at position 1262, causing a translational frameshift with a predicted alternate stop codon after 29 amino acids. This alteration is expected to result in loss of function by premature protein truncation or nonsense-mediated mRNA decay. Based on data from the Genome Aggregation Database (gnomAD) database, the POMT1 c.1262delT alteration was observed in 0.002% (5/251,494) of total alleles studied, with a frequency of 0.02% (5/30,616) in the South Asian subpopulation. Based on the available evidence, this alteration is classified as pathogenic.

CeGaT Center for Human Genetics Tuebingen
Classification: Pathogenic. Last evaluated: 2017-10-01. Review status: criteria provided, single submitter. Criteria: CeGaT Center For Human Genetics Tuebingen Variant Classification Criteria Version 2. Collection method: clinical testing. Allele origin: germline. Affected: yes. Observed: 1 variant allele.

Literature cited by the submitters: PubMed 12369018 (cited by Labcorp Genetics (formerly Invitae), Labcorp); PubMed 15637732 (cited by Labcorp Genetics (formerly Invitae), Labcorp); PubMed 16575835 (cited by Labcorp Genetics (formerly Invitae), Labcorp).